The following is an entry in ClinVar:

ClinVar aggregate classification (germline): Conflicting classifications of pathogenicity. Review status: criteria provided, conflicting classifications (1 of 4 stars). 7 submissions from 7 submitters: Uncertain significance (6); Likely benign (1). Last evaluated 2025-09-19.

Conditions:
Hereditary cancer-predisposing syndrome. Also called: Hereditary Cancer Syndrome; Neoplastic Syndromes, Hereditary; Hereditary neoplastic syndrome; Tumor predisposition. Identifiers: Orphanet 140162, MedGen C0027672, MeSH D009386, MONDO:0015356.
Familial adenomatous polyposis 1 (FAP1). Also called: FAMILIAL ADENOMATOUS POLYPOSIS 1, ATTENUATED; POLYPOSIS, ADENOMATOUS INTESTINAL. Identifiers: MedGen C2713442, MONDO:0021056, OMIM 175100. Disease mechanism: loss of function.
Classic or attenuated familial adenomatous polyposis. Identifiers: MedGen CN372698, MONDO:0021057.
APC-related attenuated familial adenomatous polyposis. Identifiers: MedGen CN276349, MONDO:0016613.
Colorectal cancer, susceptibility to. Identifiers: MedGen C1858438.

Allele frequency attached by ClinVar (database versions not stated): gnomAD exomes below 0.00001; gnomAD 0.00001.
gnomAD v4.1: 4 of 1,614,046 alleles (0.00025%); highest among the groups gnomAD compares: Non-Finnish European, 0.00034%; no homozygotes.

Submissions (7):

Labcorp Genetics (formerly Invitae), Labcorp
Classification: Uncertain significance for Familial adenomatous polyposis 1. Last evaluated: 2025-09-19. Review status: criteria provided, single submitter. Criteria: Invitae Variant Classification Sherloc (09022015). Collection method: clinical testing. Allele origin: germline.
Comment: This sequence change replaces glycine, which is neutral and non-polar, with glutamic acid, which is acidic and polar, at codon 108 of the APC protein (p.Gly108Glu). This variant is not present in population databases (gnomAD no frequency). This variant has not been reported in the literature in individuals affected with APC-related conditions. ClinVar contains an entry for this variant (Variation ID: 427929). Invitae Evidence Modeling of protein sequence and biophysical properties (such as structural, functional, and spatial information, amino acid conservation, physicochemical variation, residue mobility, and thermodynamic stability) indicates that this missense variant is not expected to disrupt APC protein function with a negative predictive value of 95%. In summary, the available evidence is currently insufficient to determine the role of this variant in disease. Therefore, it has been classified as a Variant of Uncertain Significance.

Color Diagnostics, LLC DBA Color Health
Classification: Uncertain significance for Hereditary cancer-predisposing syndrome. Last evaluated: 2025-09-03. Review status: criteria provided, single submitter. Criteria: ACMG Guidelines, 2015. Collection method: clinical testing. Allele origin: germline.
Comment: This missense variant replaces glycine with glutamic acid at codon 108 of the APC protein. Computational prediction suggests that this variant may not impact protein structure and function. To our knowledge, functional studies have not been reported for this variant. This variant has not been reported in individuals affected with APC-related disorders in the literature. This variant has not been identified in the general population by the Genome Aggregation Database (gnomAD). The available evidence is insufficient to determine the role of this variant in disease conclusively. Therefore, this variant is classified as a Variant of Uncertain Significance.

Ambry Genetics
Classification: Uncertain significance for Hereditary cancer-predisposing syndrome. Last evaluated: 2025-02-17. Review status: criteria provided, single submitter. Criteria: Ambry Variant Classification Scheme 2023. Collection method: clinical testing. Allele origin: germline.
Comment: The p.G108E variant (also known as c.323G>A), located in coding exon 3 of the APC gene, results from a G to A substitution at nucleotide position 323. The glycine at codon 108 is replaced by glutamic acid, an amino acid with similar properties. This amino acid position is highly conserved in available vertebrate species. In addition, in silico predictors for this gene do not accurately predict pathogenicity. Missense alterations in APC are not a common cause of disease (Spier I et al. Genet Med. 2024 Feb;26(2):100992). Based on the available evidence, the clinical significance of this variant remains unclear.

GeneDx
Classification: Uncertain significance. Last evaluated: 2024-09-04. Review status: criteria provided, single submitter. Criteria: GeneDx Variant Classification Process June 2021. Collection method: clinical testing. Allele origin: germline. Affected: yes.
Comment: Not observed at significant frequency in large population cohorts (gnomAD); In silico analysis indicates that this missense variant does not alter protein structure/function; Has not been previously published as pathogenic or benign to our knowledge; This variant is associated with the following publications: (PMID: 31604779)

All of Us Research Program, National Institutes of Health
Classification: Uncertain significance for Classic or attenuated familial adenomatous polyposis. Last evaluated: 2023-03-23. Review status: criteria provided, single submitter. Criteria: ACMG Guidelines, 2015. Collection method: clinical testing. Allele origin: germline. Inheritance: Autosomal dominant inheritance. Observed: 1 variant allele, 1 heterozygote.
Comment: This missense variant replaces glycine with glutamic acid at codon 108 of the APC protein. Computational prediction suggests that this variant may not impact protein structure and function (internally defined REVEL score threshold <= 0.5, PMID: 27666373). To our knowledge, functional studies have not been reported for this variant. This variant has not been reported in individuals affected with APC-related disorders. This variant has not been identified in the general population by the Genome Aggregation Database (gnomAD). The available evidence is insufficient to determine the role of this variant in disease conclusively. Therefore, this variant is classified as a Variant of Uncertain Significance.

This study involves interpretation of variants in research participants for the purpose of population health screening. Participant phenotype was not available at the time of variant classification. Additional details can be found in publication PMID: 35346344, PMCID: PMC8962531

Sema4
Classification: Uncertain significance for Hereditary cancer-predisposing syndrome. Last evaluated: 2022-02-27. Review status: criteria provided, single submitter. Criteria: Sema4 Curation Guidelines. Collection method: curation. Allele origin: germline.
Comment: The APC c.323G>A (p.G108E) variant has not been reported in the literature to our knowledge. It was not observed in the large and broad cohorts of the Genome Aggregation Database (PMID: 32461654). This variant has been reported in ClinVar (Variation ID: 427929). Functional studies have not been performed, and in silico predictions of the variant's effect on protein function are inconclusive. The evidence is insufficient to meet ACMG/AMP criteria for classifying the variant as benign or pathogenic. Thus, the clinical significance of this variant is currently uncertain.

University of Washington Department of Laboratory Medicine, University of Washington
Classification: Likely benign for Colorectal cancer, susceptibility to. Last evaluated: 2016-05-17. Review status: criteria provided, single submitter. Criteria: Shirts et al. (Genet Med 2016). Collection method: clinical testing. Allele origin: germline. Affected: yes. Observed: 1 variant allele. Segregation with disease not observed.
Comment: The APC p.G108E, c.323 G>A variant did not segregate with colon cancer or polyposis in a single large family. Two individuals with no polyps did not have this APC variant and the majority of indivduals with multiple polyps or colon cancer did not have this variant. Based on this information, the likelihood that APC p.G108E is associated associated with polyposis is estimated to be less than one in one hundred.

NM_000038.6(APC):c.323G>A (p.Gly108Glu)

Gene: APC (APC regulator of Wnt signaling pathway; plus strand). Cytogenetic location: 5q22.2.
Variant type: single nucleotide variant.
Coding change: c.323G>A on transcript NM_000038.6 (MANE Select); coding-DNA position 323, G replaced by A.
Protein change: p.Gly108Glu; replaces glycine 108 with glutamic acid.
Molecular consequence: missense variant. On other transcripts: 5 prime UTR variant (1).
Genome position (GRCh38, 1-based): chr5:112,767,291, G>A. VCF-style: chr5-112767291-G-A. GRCh37 (hg19) VCF-style: chr5-112102988-G-A.
Other names: c.323G>A, p.Gly108Glu (NM_001127510.3, NM_001354895.2, NM_001354896.2 and 2 more transcripts); c.353G>A, p.Gly118Glu (NM_001127511.3, NM_001354897.2, NM_001354902.2); c.248G>A, p.Gly83Glu (NM_001354898.2, NM_001354904.2); c.146G>A, p.Gly49Glu (NM_001354900.2, NM_001354901.2, NM_001354905.2); c.-713G>A (NM_001354906.2); short protein forms G108E, G118E, G49E, G83E.
Identifiers: ClinVar variation 427929 (VCV000427929.61), dbSNP rs1114167456, ClinGen allele CA16022027.
Genomic context (GRCh38, chr5:112,767,291, plus strand): 5'-GGTCAAAAATGTCCCTCCGTTCTTATGGAAGCCGGGAAGGATCTGTATCAAGCCGTTCTG[G>A]AGAGTGCAGTCCTGTTCCTATGGGTTCATTTCCAAGAAGAGGGTTTGTAAATGGAAGCAG-3'
Protein context (NP_000029.2, residues 98-118): SREGSVSSRS[Gly108Glu]ECSPVPMGSF